The following is an entry in ClinVar:

NM_031935.3(HMCN1):c.11789G>A (p.Trp3930Ter)

Gene: HMCN1 (hemicentin 1; plus strand). Cytogenetic location: 1q31.1.
Variant type: single nucleotide variant.
Coding change: c.11789G>A on transcript NM_031935.3 (MANE Select); coding-DNA position 11789, G replaced by A.
Protein change: p.Trp3930Ter; replaces tryptophan 3930 with a stop codon.
Molecular consequence: nonsense.
Genome position (GRCh38, 1-based): chr1:186,117,564, G>A. VCF-style: chr1-186117564-G-A. GRCh37 (hg19) VCF-style: chr1-186086696-G-A.
Other names: short protein forms W3930*.
Identifiers: ClinVar variation 2132158 (VCV002132158.4), dbSNP rs2528017217, ClinGen allele CA343946226.

ClinVar aggregate classification (germline): Uncertain significance (1 of 4 stars; one submission).

Submission:

Labcorp Genetics (formerly Invitae), Labcorp
Classification: Uncertain significance. Last evaluated: 2022-05-12. Review status: criteria provided, single submitter. Criteria: Invitae Variant Classification Sherloc (09022015). Collection method: clinical testing. Allele origin: germline.
Comment: In summary, the available evidence is currently insufficient to determine the role of this variant in disease. Therefore, it has been classified as a Variant of Uncertain Significance. Algorithms developed to predict the effect of sequence changes on RNA splicing suggest that this variant may disrupt the consensus splice site. This variant has not been reported in the literature in individuals affected with HMCN1-related conditions. This variant is not present in population databases (gnomAD no frequency). This sequence change creates a premature translational stop signal (p.Trp3930*) in the HMCN1 gene. It is expected to result in an absent or disrupted protein product. However, the current clinical and genetic evidence is not sufficient to establish whether loss-of-function variants in HMCN1 cause disease.